The following is an entry in ClinVar:

ClinVar aggregate classification (germline): Likely benign. Review status: criteria provided, multiple submitters, no conflicts (2 of 4 stars). 2 submissions from 2 submitters: Likely benign (2). Last evaluated 2026-06-01.

gnomAD v4.1: 204 of 1,613,520 alleles (0.013%); highest among the groups gnomAD compares: African/African-American, 0.052%; no homozygotes.

Submissions (2):

CeGaT Center for Human Genetics Tuebingen
Classification: Likely benign. Last evaluated: 2026-06-01. Review status: criteria provided, single submitter. Criteria: CeGaT Center For Human Genetics Tuebingen Variant Classification Criteria Version 2. Collection method: clinical testing. Allele origin: germline. Affected: yes. Observed: 1 variant allele.
Comment: CATSPER2: BP4, BP7

Blueprint Genetics
Classification: Likely benign. Last evaluated: 2023-02-17. Review status: criteria provided, single submitter. Criteria: ACMG Guidelines, 2015. Collection method: clinical testing. Allele origin: germline.

NM_172095.4(CATSPER2):c.216G>A (p.Gln72=)

Gene: CATSPER2 (cation channel sperm associated 2; minus strand). Cytogenetic location: 15q15.3.
Variant type: single nucleotide variant.
Coding change: c.216G>A on transcript NM_172095.4 (MANE Select); coding-DNA position 216, G replaced by A.
Protein change: p.Gln72=; no amino-acid change (glutamine 72 retained).
Molecular consequence: synonymous variant. On other transcripts: non-coding transcript variant (2).
Genome position (GRCh38, 1-based): chr15:43,647,397, C>T on the plus strand (G>A on the coding strand, the complement: CATSPER2 is on the minus strand). VCF-style: chr15-43647397-C-T. GRCh37 (hg19) VCF-style: chr15-43939595-C-T.
Other names: c.216G>A, p.Gln72= (NM_001282309.3); c.234G>A, p.Gln78= (NM_001282310.2).
Identifiers: ClinVar variation 4873165 (VCV004873165.3).